The following is an entry in ClinVar:

NM_032603.5(LOXL3):c.373G>A (p.Ala125Thr)

Genes: DOK1 (docking protein 1; plus strand), LOXL3 (lysyl oxidase like 3; minus strand). Cytogenetic location: 2p13.1.
Variant type: single nucleotide variant.
Coding change: c.373G>A on transcript NM_032603.5 (MANE Select); coding-DNA position 373, G replaced by A.
Protein change: p.Ala125Thr; replaces alanine 125 with threonine.
Molecular consequence: missense variant. On other transcripts: intron variant (1).
Genome position (GRCh38, 1-based): chr2:74,550,289, C>T on the plus strand (G>A on the coding strand, the complement: LOXL3 is on the minus strand). VCF-style: chr2-74550289-C-T. GRCh37 (hg19) VCF-style: chr2-74777416-C-T.
Other names: c.373G>A, p.Ala125Thr (NM_001289164.3); c.-358+1117C>T (NM_001197260.2); short protein forms A125T.
Identifiers: ClinVar variation 2012490 (VCV002012490.4), dbSNP rs1676920519, ClinGen allele CA347395620.

ClinVar aggregate classification (germline): Uncertain significance (1 of 4 stars; one submission).

Allele frequency attached by ClinVar (database versions not stated): TOPMed 0.00001.

Submission:

Labcorp Genetics (formerly Invitae), Labcorp
Classification: Uncertain significance. Last evaluated: 2022-06-30. Review status: criteria provided, single submitter. Criteria: Invitae Variant Classification Sherloc (09022015). Collection method: clinical testing. Allele origin: germline.
Comment: In summary, the available evidence is currently insufficient to determine the role of this variant in disease. Therefore, it has been classified as a Variant of Uncertain Significance. Algorithms developed to predict the effect of missense changes on protein structure and function output the following: SIFT: "Tolerated"; PolyPhen-2: "Benign"; Align-GVGD: "Class C0". The threonine amino acid residue is found in multiple mammalian species, which suggests that this missense change does not adversely affect protein function. This variant has not been reported in the literature in individuals affected with LOXL3-related conditions. This variant is not present in population databases (gnomAD no frequency). This sequence change replaces alanine, which is neutral and non-polar, with threonine, which is neutral and polar, at codon 125 of the LOXL3 protein (p.Ala125Thr).